The following is an entry in ClinVar:

ClinVar aggregate classification (germline): Uncertain significance (1 of 4 stars; one submission).

Conditions:
LAMB3-related disorder. Also called: LAMB3-related condition.

gnomAD v4.1: 4 of 1,612,590 alleles (0.00025%); highest among the groups gnomAD compares: Admixed American, 0.0067%; no homozygotes.

Submission:

PreventionGenetics, part of Exact Sciences
Classification: Uncertain significance for LAMB3-related condition. Last evaluated: 2025-08-28. Review status: criteria provided, single submitter. Criteria: ACMG Guidelines, 2015. Collection method: clinical testing. Allele origin: germline.
Comment: The LAMB3 c.1480A>C variant is predicted to result in the amino acid substitution p.Asn494His. To our knowledge, this variant has not been reported in the literature. This variant is reported in 0.0058% of alleles in individuals of Latino descent in gnomAD. At this time, the clinical significance of this variant is uncertain due to the absence of conclusive functional and genetic evidence.

NM_000228.3(LAMB3):c.1480A>C (p.Asn494His)

Gene: LAMB3 (laminin subunit beta 3; minus strand). Cytogenetic location: 1q32.2.
Variant type: single nucleotide variant.
Coding change: c.1480A>C on transcript NM_000228.3 (MANE Select); coding-DNA position 1480, A replaced by C.
Protein change: p.Asn494His; replaces asparagine 494 with histidine.
Molecular consequence: missense variant.
Genome position (GRCh38, 1-based): chr1:209,627,388, T>G on the plus strand (A>C on the coding strand, the complement: LAMB3 is on the minus strand). VCF-style: chr1-209627388-T-G. GRCh37 (hg19) VCF-style: chr1-209800733-T-G.
Other names: c.1480A>C, p.Asn494His (NM_001017402.2, NM_001127641.1); short protein forms N494H.
Identifiers: ClinVar variation 4979268 (VCV004979268.1).